The following is an entry in ClinVar:

ClinVar aggregate classification (germline): Uncertain significance (1 of 4 stars; one submission).

Conditions:
Leigh syndrome (NULS). Also called: Leigh's necrotizing encephalopathy; Leigh's disease; Leigh Syndrome (mtDNA deletion); Leigh Disease; Subacute necrotizing encephalopathy; Necrotizing encephalopathy infantile subacute of Leigh. Identifiers: Orphanet 506, MedGen C2931891, MONDO:0009723, OMIM 256000.

Submission:

Wong Mito Lab, Molecular and Human Genetics, Baylor College of Medicine
Classification: Uncertain significance for Leigh syndrome. Last evaluated: 2019-10-17. Review status: criteria provided, single submitter. Criteria: Modified ACMG Guidelines (Unpublished). Collection method: clinical testing. Allele origin: germline.
Comment: The NC_012920.1:m.4770G>A (YP_003024027.1:p.Ala101Thr) variant in MTND2 gene is interpretated to be a Uncertain Significance variant based on the modified ACMG guidelines (unpublished). This variant meets the following evidence codes: PP4, PP6

NC_012920.1(MT-ND2):m.4770G>A

Gene: MT-ND2 (mitochondrially encoded NADH dehydrogenase 2; plus strand).
Variant type: single nucleotide variant.
Genome position: chrM-4770-G-A.
Identifiers: ClinVar variation 692504 (VCV000692504.1), dbSNP rs1603219619, ClinGen allele CA414775706.
Genomic context (GRCh38, chrMT:4,770, plus strand): 5'-TCCGGACAATGAACCATAACCAATACTACCAATCAATACTCATCATTAATAATCATAATA[G>A]CTATAGCAATAAAACTAGGAATAGCCCCCTTTCACTTCTGAGTCCCAGAGGTTACCCAAG-3'